The following is an entry in ClinVar:

NM_000222.3(KIT):c.*1704G>T

Gene: KIT (KIT proto-oncogene, receptor tyrosine kinase; plus strand). Cytogenetic location: 4q12.
Variant type: single nucleotide variant.
Coding change: c.*1704G>T on transcript NM_000222.3 (MANE Select); 1704 bases downstream of the stop codon, G replaced by T.
Molecular consequence: 3 prime UTR variant.
Genome position (GRCh38, 1-based): chr4:54,740,261, G>T. VCF-style: chr4-54740261-G-T. GRCh37 (hg19) VCF-style: chr4-55606427-G-T.
Other names: c.*1704G>T (NM_001093772.2, NM_001385284.1, NM_001385285.1 and 4 more transcripts).
Identifiers: ClinVar variation 348972 (VCV000348972.8), dbSNP rs8022, ClinGen allele CA10617876.

ClinVar aggregate classification (germline): Benign. Review status: criteria provided, multiple submitters, no conflicts (2 of 4 stars). 5 submissions from 3 submitters: Benign (5). Last evaluated 2021-05-13.

Conditions:
Gastrointestinal stromal tumor. Also called: Gastrointestinal stromal tumor, somatic; Gastrointestinal stroma tumor. Identifiers: Orphanet 44890, MedGen C0238198, MeSH D046152, MONDO:0011719, OMIM 606764, HP:0100723.
Mastocytosis. Also called: Mast Cell Disease. Identifiers: Orphanet 98292, MedGen C0024899, MONDO:0007950, HP:0100495.
Piebaldism. Also called: Piebald skin depigmentation. Identifiers: Orphanet 2884, MedGen C0080024, MONDO:0008244, OMIM 172800, HP:0007544.

Allele frequency attached by ClinVar (database versions not stated): gnomAD exomes 0.11972; 1000 Genomes Project 0.15076; 1000 Genomes Project 30x 0.15334; gnomAD 0.15801 and 0.16223; TOPMed 0.16547.
gnomAD v4.1: 33,735 of 233,390 alleles (14%); highest among the groups gnomAD compares: African/African-American, 29%; 3,107 homozygotes.

Submissions (5):

GeneDx
Classification: Benign. Last evaluated: 2021-05-13. Review status: criteria provided, single submitter. Criteria: GeneDx Variant Classification Process June 2021. Collection method: clinical testing. Allele origin: germline. Affected: yes.

Illumina Laboratory Services, Illumina
Classification: Benign for Piebaldism. Last evaluated: 2018-01-12. Review status: criteria provided, single submitter. Criteria: ICSL Variant Classification Criteria 13 December 2019. Collection method: clinical testing. Allele origin: germline.
Comment: This variant was observed in the ICSL laboratory as part of a predisposition screen in an ostensibly healthy population. It had not been previously curated by ICSL or reported in the Human Gene Mutation Database (HGMD: prior to June 1st, 2018), and was therefore a candidate for classification through an automated scoring system. Utilizing variant allele frequency, disease prevalence and penetrance estimates, and inheritance mode, an automated score was calculated to assess if this variant is too frequent to cause the disease. Based on the score and internal cut-off values, a variant classified as benign is not then subjected to further curation. The score for this variant resulted in a classification of benign for this disease.

Illumina Laboratory Services, Illumina
Classification: Benign for Cutaneous mastocytosis. Last evaluated: 2018-01-12. Review status: criteria provided, single submitter. Criteria: ICSL Variant Classification Criteria 13 December 2019. Collection method: clinical testing. Allele origin: germline.
Comment: the same text as in the submission from Illumina Laboratory Services, Illumina above.

Illumina Laboratory Services, Illumina
Classification: Benign for Gastrointestinal stromal tumor. Last evaluated: 2018-01-12. Review status: criteria provided, single submitter. Criteria: ICSL Variant Classification Criteria 13 December 2019. Collection method: clinical testing. Allele origin: germline.
Comment: the same text as in the submission from Illumina Laboratory Services, Illumina above.

Breakthrough Genomics
Classification: Benign. Review status: criteria provided, single submitter. Criteria: ACMG Guidelines, 2015. Collection method: not provided. Allele origin: germline. Inheritance: Autosomal dominant inheritance. Affected: yes.